The following is an entry in ClinVar:

NC_000002.11:g.(?_26413503)_(26467501_?)dup

Gene: HADHA (hydroxyacyl-CoA dehydrogenase trifunctional multienzyme complex subunit alpha; minus strand). Cytogenetic location: 2p23.3.
Variant type: Duplication.
Identifiers: ClinVar variation 4853682 (VCV004853682.1).

ClinVar aggregate classification (germline): Uncertain significance (1 of 4 stars; one submission).

Submission:

Women's Health and Genetics/Laboratory Corporation of America, LabCorp
Classification: Uncertain significance. Last evaluated: 2026-05-26. Review status: criteria provided, single submitter. Criteria: LabCorp Variant Classification Summary - May 2015. Collection method: clinical testing. Allele origin: germline.
Comment: Variant summary: The variant involves the duplication of exons 1-20 in the HADHA gene. A presumed nomenclature of c.(?_-37)_(*616_?)dup has been designated for the purposes of this classification. This duplication includes the entire coding sequence of the gene. As exact breakpoints are unknown, it may extend beyond the annotated region of the gene, to include other flanking genes. The variant was absent in 21694 control chromosomes. The available data on variant occurrences in the general population are insufficient to allow any conclusion about variant significance. To our knowledge, no occurrence of c.(?_-37)_(*616_?)dup in individuals affected with HADHA-related conditions and no experimental evidence demonstrating its impact on protein function have been reported. No submitters have cited clinical-significance assessments for this variant to ClinVar. Based on the evidence outlined above, the variant was classified as uncertain significance.